The following is an entry in ClinVar:

ClinVar aggregate classification (germline): Likely benign (0 of 4 stars; one submission).

Conditions:
STX16-related disorder. Also called: STX16-related condition.

Allele frequency attached by ClinVar (database versions not stated): gnomAD 0.00001; ExAC 0.00002.
gnomAD v4.1: 10 of 1,611,730 alleles (0.00062%); highest among the groups gnomAD compares: Admixed American, 0.0033%; no homozygotes.

Submission:

PreventionGenetics, part of Exact Sciences
Classification: Likely benign for STX16-related condition. Last evaluated: 2019-02-21. Review status: no assertion criteria provided. Collection method: clinical testing. Allele origin: germline.
Comment: This variant is classified as likely benign based on ACMG/AMP sequence variant interpretation guidelines (Richards et al. 2015 PMID: 25741868, with internal and published modifications).

NM_001001433.3(STX16):c.432G>A (p.Pro144=)

Genes: STX16 (syntaxin 16; plus strand), STX16-NPEPL1 (STX16-NPEPL1 readthrough (NMD candidate); plus strand). Cytogenetic location: 20q13.32.
Variant type: single nucleotide variant.
Coding change: c.432G>A on transcript NM_001001433.3 (MANE Select); coding-DNA position 432, G replaced by A.
Protein change: p.Pro144=; no amino-acid change (proline 144 retained).
Molecular consequence: synonymous variant. On other transcripts: non-coding transcript variant (1).
Genome position (GRCh38, 1-based): chr20:58,669,329, G>A. VCF-style: chr20-58669329-G-A. GRCh37 (hg19) VCF-style: chr20-57244385-G-A.
Other names: c.420G>A, p.Pro140= (NM_001134772.3); c.381G>A, p.Pro127= (NM_001134773.3); c.273G>A, p.Pro91= (NM_001204868.2); c.369G>A, p.Pro123= (NM_003763.6).
Identifiers: ClinVar variation 3047152 (VCV003047152.2), dbSNP rs768436138, ClinGen allele CA9925314.